The following is an entry in ClinVar:

NM_000124.4(ERCC6):c.1191A>T (p.Gly397=)

Genes: ERCC6 (ERCC excision repair 6, chromatin remodeling factor; minus strand), PGBD3 (piggyBac transposable element derived 3; minus strand). Cytogenetic location: 10q11.23.
Variant type: single nucleotide variant.
Coding change: c.1191A>T on transcript NM_000124.4 (MANE Select); coding-DNA position 1191, A replaced by T.
Protein change: p.Gly397=; no amino-acid change (glycine 397 retained).
Molecular consequence: synonymous variant. On other transcripts: 5 prime UTR variant (1).
Genome position (GRCh38, 1-based): chr10:49,524,239, T>A on the plus strand (A>T on the coding strand, the complement: ERCC6 is on the minus strand). VCF-style: chr10-49524239-T-A. GRCh37 (hg19) VCF-style: chr10-50732285-T-A.
Other names: c.1191A>T, p.Gly397= (NM_001277058.2, NM_001277059.2, NM_001346440.2); c.-214A>T (NM_170753.3).
Identifiers: ClinVar variation 2160763 (VCV002160763.10), dbSNP rs147284198, ClinGen allele CA5496368.

ClinVar aggregate classification (germline): Likely benign. Review status: criteria provided, multiple submitters, no conflicts (2 of 4 stars). 2 submissions from 2 submitters: Likely benign (2). Last evaluated 2026-01-14.

Allele frequency attached by ClinVar (database versions not stated): ExAC 0.00005; gnomAD 0.00007; TOPMed 0.00009; gnomAD exomes 0.00010; ESP Exome Variant Server 0.00023.
gnomAD v4.1: 169 of 1,613,946 alleles (0.01%); highest among the groups gnomAD compares: Non-Finnish European, 0.013%; no homozygotes.

Submissions (2):

Labcorp Genetics (formerly Invitae), Labcorp
Classification: Likely benign. Last evaluated: 2026-01-14. Review status: criteria provided, single submitter. Criteria: Invitae Variant Classification Sherloc (09022015). Collection method: clinical testing. Allele origin: germline.

CeGaT Center for Human Genetics Tuebingen
Classification: Likely benign. Last evaluated: 2025-10-01. Review status: criteria provided, single submitter. Criteria: CeGaT Center For Human Genetics Tuebingen Variant Classification Criteria Version 2. Collection method: clinical testing. Allele origin: germline. Affected: yes. Observed: 1 variant allele.
Comment: ERCC6: BP4, BP7